The following is an entry in ClinVar:

NM_031935.3(HMCN1):c.8140C>G (p.Pro2714Ala)

Gene: HMCN1 (hemicentin 1; plus strand). Cytogenetic location: 1q31.1.
Variant type: single nucleotide variant.
Coding change: c.8140C>G on transcript NM_031935.3 (MANE Select); coding-DNA position 8140, C replaced by G.
Protein change: p.Pro2714Ala; replaces proline 2714 with alanine.
Molecular consequence: missense variant.
Genome position (GRCh38, 1-based): chr1:186,074,741, C>G. VCF-style: chr1-186074741-C-G. GRCh37 (hg19) VCF-style: chr1-186043873-C-G.
Other names: c.8140C>G (NM_031935.2); short protein forms P2714A.
Identifiers: ClinVar variation 1912319 (VCV001912319.9), dbSNP rs147073795, ClinGen allele CA1293053.

ClinVar aggregate classification (germline): Uncertain significance. Review status: criteria provided, multiple submitters, no conflicts (2 of 4 stars). 3 submissions from 3 submitters: Uncertain significance (3). Last evaluated 2025-06-25.

Conditions:
Age related macular degeneration 1 (ARMD1). Also called: MACULOPATHY, AGE-RELATED, 1. Identifiers: MedGen C1864205, MONDO:0011285, OMIM 603075.

Allele frequency attached by ClinVar (database versions not stated): ExAC 0.00005; ESP Exome Variant Server 0.00015.
gnomAD v4.1: 78 of 1,612,196 alleles (0.0048%); highest among the groups gnomAD compares: Non-Finnish European, 0.0061%; no homozygotes.

Submissions (3):

Ambry Genetics
Classification: Uncertain significance. Last evaluated: 2025-06-25. Review status: criteria provided, single submitter. Criteria: Ambry Variant Classification Scheme 2023. Collection method: clinical testing. Allele origin: germline.

Labcorp Genetics (formerly Invitae), Labcorp
Classification: Uncertain significance. Last evaluated: 2023-10-15. Review status: criteria provided, single submitter. Criteria: Invitae Variant Classification Sherloc (09022015). Collection method: clinical testing. Allele origin: germline.
Comment: This sequence change replaces proline, which is neutral and non-polar, with alanine, which is neutral and non-polar, at codon 2714 of the HMCN1 protein (p.Pro2714Ala). This variant is present in population databases (rs147073795, gnomAD 0.006%). This variant has not been reported in the literature in individuals affected with HMCN1-related conditions. ClinVar contains an entry for this variant (Variation ID: 1912319). Algorithms developed to predict the effect of missense changes on protein structure and function output the following: SIFT: "Not Available"; PolyPhen-2: "Benign"; Align-GVGD: "Not Available". The alanine amino acid residue is found in multiple mammalian species, which suggests that this missense change does not adversely affect protein function. In summary, the available evidence is currently insufficient to determine the role of this variant in disease. Therefore, it has been classified as a Variant of Uncertain Significance.

Genome-Nilou Lab
Classification: Uncertain significance for Age related macular degeneration 1. Last evaluated: 2023-04-11. Review status: criteria provided, single submitter. Criteria: ACMG Guidelines, 2015. Collection method: clinical testing. Allele origin: germline. Affected: no.